The following is an entry in ClinVar:

ClinVar aggregate classification (germline): Uncertain significance (1 of 4 stars; one submission).

Submission:

GeneDx
Classification: Uncertain significance. Last evaluated: 2026-04-22. Review status: criteria provided, single submitter. Criteria: GeneDx Variant Classification Process June 2021. Collection method: clinical testing. Allele origin: germline.
Comment: Not observed at significant frequency in large population cohorts (gnomAD); In silico analysis suggests that this missense variant does not alter protein structure/function; Has not been previously published as pathogenic or benign to our knowledge

NM_001395159.1(UNC79):c.5033A>G (p.Asp1678Gly)

Gene: UNC79 (unc-79 subunit of NALCN channel complex; plus strand). Cytogenetic location: 14q32.12.
Variant type: single nucleotide variant.
Coding change: c.5033A>G on transcript NM_001395159.1 (MANE Select); coding-DNA position 5033, A replaced by G.
Protein change: p.Asp1678Gly; replaces aspartic acid 1678 with glycine.
Molecular consequence: missense variant.
Genome position (GRCh38, 1-based): chr14:93,622,050, A>G. VCF-style: chr14-93622050-A-G. GRCh37 (hg19) VCF-style: chr14-94088396-A-G.
Other names: c.4967A>G, p.Asp1656Gly (NM_001346218.2); c.4286A>G, p.Asp1429Gly (NM_020818.5); short protein forms D1429G, D1656G, D1678G.
Identifiers: ClinVar variation 5037558 (VCV005037558.1).